The following is an entry in ClinVar:

ClinVar aggregate classification (germline): Uncertain significance. Review status: criteria provided, multiple submitters, no conflicts (2 of 4 stars). 3 submissions from 3 submitters: Uncertain significance (3). Last evaluated 2026-05-28.

Conditions:
Marfan syndrome (MFS). Also called: MARFAN SYNDROME, TYPE I; Marfan syndrome type 1; Marfan's syndrome; Marfan syndrome, classic; FBN1-Related Marfan Syndrome. Identifiers: Orphanet 284963, Orphanet 558, MedGen C0024796, MONDO:0007947, OMIM 154700.

Allele frequency attached by ClinVar (database versions not stated): ESP Exome Variant Server 0.00008; ExAC 0.00001.

Submissions (3):

GeneDx
Classification: Uncertain significance. Last evaluated: 2026-05-28. Review status: criteria provided, single submitter. Criteria: GeneDx Variant Classification Process June 2021. Collection method: clinical testing. Allele origin: germline.
Comment: Has not been previously published as pathogenic or benign to our knowledge; Not observed at significant frequency in large population cohorts (gnomAD); In silico analysis supports that this missense variant has a deleterious effect on protein structure/function; This variant is associated with the following publications: (PMID: 12938084)

Mayo Clinic Laboratories, Mayo Clinic
Classification: Uncertain significance. Last evaluated: 2024-08-14. Review status: criteria provided, single submitter. Criteria: ACMG Guidelines, 2015. Collection method: clinical testing. Allele origin: germline. Observed: 1 variant allele.
Comment: PP3, PM2

All of Us Research Program, National Institutes of Health
Classification: Uncertain significance for Marfan syndrome. Last evaluated: 2024-01-03. Review status: criteria provided, single submitter. Criteria: ACMG Guidelines, 2015. Collection method: clinical testing. Allele origin: germline. Inheritance: Autosomal dominant inheritance. Observed: 1 variant allele, 1 heterozygote.
Comment: This missense variant replaces alanine with proline at codon 1560 of the FBN1 protein. Computational prediction tool indicates that this variant may have a deleterious impact on protein structure and function. To our knowledge, functional studies have not been reported for this variant. This variant has not been reported in individuals affected with FBN1-related disorders in the literature. This variant has not been identified in the general population by the Genome Aggregation Database (gnomAD). The available evidence is insufficient to determine the role of this variant in disease conclusively. Therefore, this variant is classified as a Variant of Uncertain Significance.

This study involves interpretation of variants in research participants for the purpose of population health screening. Participant phenotype was not available at the time of variant classification. Additional details can be found in publication PMID: 35346344, PMCID: PMC8962531

NM_000138.5(FBN1):c.4678G>C (p.Ala1560Pro)

Gene: FBN1 (fibrillin 1; minus strand). Cytogenetic location: 15q21.1.
Variant type: single nucleotide variant.
Coding change: c.4678G>C on transcript NM_000138.5 (MANE Select); coding-DNA position 4678, G replaced by C.
Protein change: p.Ala1560Pro; replaces alanine 1560 with proline.
Molecular consequence: missense variant.
Genome position (GRCh38, 1-based): chr15:48,468,007, C>G on the plus strand (G>C on the coding strand, the complement: FBN1 is on the minus strand). VCF-style: chr15-48468007-C-G. GRCh37 (hg19) VCF-style: chr15-48760204-C-G.
Other names: p.Ala1560Pro; c.4678G>C, p.Ala1560Pro (NM_001406716.1); short protein forms A1560P.
Identifiers: ClinVar variation 3075232 (VCV003075232.4), dbSNP rs142858432, ClinGen allele CA053517.